The following is an entry in ClinVar:

ClinVar aggregate classification (germline): Uncertain significance (1 of 4 stars; one submission).

Conditions:
Brachyolmia-amelogenesis imperfecta syndrome. Also called: PLATYSPONDYLY WITH AMELOGENESIS IMPERFECTA; Tooth agenesis, selective, 6; Dental anomalies and short stature. Identifiers: Orphanet 2899, MedGen C1832594, MONDO:0011018, OMIM 601216. Disease mechanism: loss of function.

Allele frequency attached by ClinVar (database versions not stated): gnomAD 0.00001.
gnomAD v4.1: 1 of 1,613,062 alleles (0.000062%); highest among the groups gnomAD compares: Non-Finnish European, 0.000085%; no homozygotes.

Submission:

Labcorp Genetics (formerly Invitae), Labcorp
Classification: Uncertain significance for Brachyolmia-amelogenesis imperfecta syndrome. Last evaluated: 2021-07-16. Review status: criteria provided, single submitter. Criteria: Invitae Variant Classification Sherloc (09022015). Collection method: clinical testing. Allele origin: germline.
Comment: In summary, the available evidence is currently insufficient to determine the role of this variant in disease. Therefore, it has been classified as a Variant of Uncertain Significance. Algorithms developed to predict the effect of missense changes on protein structure and function output the following: SIFT: "Tolerated"; PolyPhen-2: "Benign"; Align-GVGD: "Class C0". The glutamic acid amino acid residue is found in multiple mammalian species, which suggests that this missense change does not adversely affect protein function. This variant has not been reported in the literature in individuals affected with LTBP3-related conditions. This variant is not present in population databases (ExAC no frequency). This sequence change replaces aspartic acid with glutamic acid at codon 397 of the LTBP3 protein (p.Asp397Glu). The aspartic acid residue is moderately conserved and there is a small physicochemical difference between aspartic acid and glutamic acid.

NM_001130144.3(LTBP3):c.1191C>A (p.Asp397Glu)

Gene: LTBP3 (latent transforming growth factor beta binding protein 3; minus strand). Cytogenetic location: 11q13.1.
Variant type: single nucleotide variant.
Coding change: c.1191C>A on transcript NM_001130144.3 (MANE Select); coding-DNA position 1191, C replaced by A.
Protein change: p.Asp397Glu; replaces aspartic acid 397 with glutamic acid.
Molecular consequence: missense variant.
Genome position (GRCh38, 1-based): chr11:65,552,402, G>T on the plus strand (C>A on the coding strand, the complement: LTBP3 is on the minus strand). VCF-style: chr11-65552402-G-T. GRCh37 (hg19) VCF-style: chr11-65319873-G-T.
Other names: c.840C>A, p.Asp280Glu (NM_001164266.1); c.1191C>A, p.Asp397Glu (NM_021070.4); short protein forms D397E, D280E.
Identifiers: ClinVar variation 1367965 (VCV001367965.8), dbSNP rs1856644303, ClinGen allele CA381274157.